The following is an entry in ClinVar:

ClinVar aggregate classification (germline): Uncertain significance. Review status: criteria provided, multiple submitters, no conflicts (2 of 4 stars). 2 submissions from 2 submitters: Uncertain significance (2). Last evaluated 2022-06-03.

Conditions:
Inborn genetic diseases. Identifiers: MedGen C0950123, MeSH D030342.

Submissions (2):

GeneDx
Classification: Uncertain significance. Last evaluated: 2022-06-03. Review status: criteria provided, single submitter. Criteria: GeneDx Variant Classification Process June 2021. Collection method: clinical testing. Allele origin: germline. Affected: yes.
Comment: Not observed at significant frequency in large population cohorts (gnomAD); In silico analysis supports that this missense variant has a deleterious effect on protein structure/function; Has not been previously published as pathogenic or benign to our knowledge

Ambry Genetics
Classification: Uncertain significance for Inborn genetic diseases. Last evaluated: 2021-12-13. Review status: criteria provided, single submitter. Criteria: Ambry Variant Classification Scheme 2023. Collection method: clinical testing. Allele origin: germline.

NM_002250.3(KCNN4):c.445G>A (p.Glu149Lys)

Gene: KCNN4 (potassium calcium-activated channel subfamily N member 4; minus strand). Cytogenetic location: 19q13.31.
Variant type: single nucleotide variant.
Coding change: c.445G>A on transcript NM_002250.3 (MANE Select); coding-DNA position 445, G replaced by A.
Protein change: p.Glu149Lys; replaces glutamic acid 149 with lysine.
Molecular consequence: missense variant.
Genome position (GRCh38, 1-based): chr19:43,774,430, C>T on the plus strand (G>A on the coding strand, the complement: KCNN4 is on the minus strand). VCF-style: chr19-43774430-C-T. GRCh37 (hg19) VCF-style: chr19-44278582-C-T.
Other names: short protein forms E149K.
Identifiers: ClinVar variation 1803623 (VCV001803623.4), dbSNP rs1969736211, ClinGen allele CA406202583.
Genomic context (GRCh38, chr19:43,774,430, plus strand): 5'-GGAGCACGGCGCGGGGCACCAGGTAGAGACGCAGCAGCATGGCCAGGGACAGCAGCGCTT[C>T]CCCTTGGCCCAGGAATCCCGGCCAGGGCTGCGGGGAGGTCAGCGGCGCCCCTAAATCCTG-3'
Protein context (NP_002241.1, residues 139-159): QPWPGFLGQG[Glu149Lys]ALLSLAMLLR